The following is an entry in ClinVar:

GRCh38/hg38 Xp22.33(chrX:937567-1304050)x3

Genes: CRLF2 (cytokine receptor like factor 2; minus strand), CSF2RA (colony stimulating factor 2 receptor subunit alpha; plus strand), MIR3690 (microRNA 3690; plus strand). Cytogenetic location: Xp22.33.
Variant type: copy number gain.
Change: copy number 3 of chrX:937,567-1,304,050 (366.5 kb, GRCh38 coordinates, 1-based), cytogenetic band Xp22.33.
Identifiers: ClinVar variation 4890996 (VCV004890996.1).

ClinVar aggregate classification (germline): Uncertain significance (1 of 4 stars; one submission).

Submission:

Clinical Genomics Laboratory, Laboratory for Precision Diagnostics, University of Washington
Classification: Uncertain significance. Last evaluated: 2023-08-15. Review status: criteria provided, single submitter. Criteria: ACMG/ClinGen CNV Guidelines, 2019. Collection method: clinical testing. Allele origin: unknown. Affected: yes. Observed: 1 variant allele.
Comment: Chromosomal microarray analysis (CMA) identified an approximately 370 Kb duplication of chromosome Xp22.33 or Yp11.2. This duplication is of material within the PAR1 region, so CMA cannot determine whether the duplication is of X or Y chromosome material. The duplicated region involves 3 genes: MIR3690, CSF2RA, and CRLF2. Due to a gap in probe coverage, it is uncertain if CSF2RA is fully encompassed or within the proximal breakpoint of the duplicated region. Loss of function variants in CSF2RA are associated with pulmonary surfactant metabolism dysfunction-4 (MIM #300770) and pulmonary alveolar proteinosis (Suzuki et al and Schmidt et al, see other References). In these reports, the inheritance pattern of these disorders is most likely recessive where both copies of the gene must be affected. The impact of this duplication on CSF2RA expression is uncertain. No similar duplications have been reported in the Database of Genomic Variants (DGV), a database of copy number changes in the general population. A few similar duplications are reported in the patient database ClinVar; in one case where inheritance was tested, the duplication was maternally inherited.

Literature cited by the submitters: PubMed 28233860; PubMed 18955567; PubMed 25640679; PubMed 33629535; PubMed 18955570; PubMed 20622029.